The following is an entry in ClinVar:

NM_000179.3(MSH6):c.1757T>C (p.Val586Ala)

Gene: MSH6 (mutS homolog 6; plus strand). Cytogenetic location: 2p16.3.
Variant type: single nucleotide variant.
Coding change: c.1757T>C on transcript NM_000179.3 (MANE Select); coding-DNA position 1757, T replaced by C.
Protein change: p.Val586Ala; replaces valine 586 with alanine.
Molecular consequence: missense variant.
Genome position (GRCh38, 1-based): chr2:47,799,740, T>C. VCF-style: chr2-47799740-T-C. GRCh37 (hg19) VCF-style: chr2-48026879-T-C.
Other names: p.V586A:GTG>GCG; c.1367T>C, p.Val456Ala (NM_001281492.2); c.851T>C, p.Val284Ala (NM_001281493.2, NM_001281494.2); short protein forms V586A, V284A, V456A.
Identifiers: ClinVar variation 182625 (VCV000182625.20), dbSNP rs730881792, ClinGen allele CA009128.

ClinVar aggregate classification (germline): Conflicting classifications of pathogenicity. Review status: criteria provided, conflicting classifications (1 of 4 stars). 6 submissions from 6 submitters: Uncertain significance (5); Likely benign (1). Last evaluated 2025-10-07.

Conditions:
Hereditary nonpolyposis colorectal neoplasms. Identifiers: MedGen C0009405, MeSH D003123.
Hereditary cancer-predisposing syndrome. Also called: Tumor predisposition; Hereditary Cancer Syndrome; Hereditary neoplastic syndrome; Neoplastic Syndromes, Hereditary. Identifiers: Orphanet 140162, MedGen C0027672, MeSH D009386, MONDO:0015356.
Lynch syndrome. Identifiers: Orphanet 144, MedGen C4552100, MONDO:0005835. Disease mechanism: loss of function.

Allele frequency attached by ClinVar (database versions not stated): TOPMed below 0.00001; gnomAD 0.00001.
gnomAD v4.1: 1 of 1,614,082 alleles (0.000062%); highest among the groups gnomAD compares: Non-Finnish European, 0.000085%; no homozygotes.

Submissions (6):

Labcorp Genetics (formerly Invitae), Labcorp
Classification: Likely benign for Hereditary nonpolyposis colorectal neoplasms. Last evaluated: 2025-10-07. Review status: criteria provided, single submitter. Criteria: Invitae Variant Classification Sherloc (09022015). Collection method: clinical testing. Allele origin: germline.

Color Diagnostics, LLC DBA Color Health
Classification: Uncertain significance for Hereditary cancer-predisposing syndrome. Last evaluated: 2024-03-06. Review status: criteria provided, single submitter. Criteria: ACMG Guidelines, 2015. Collection method: clinical testing. Allele origin: germline.
Comment: This missense variant replaces valine with alanine at codon 586 of the MSH6 protein. Computational prediction suggests that this variant may have deleterious impact on protein structure and function (internally defined REVEL score threshold >= 0.7, PMID: 27666373). To our knowledge, functional studies have not been reported for this variant. This variant has not been reported in individuals affected with MSH6-related disorders in the literature. This variant has been identified in 1/31404 chromosomes in the general population by the Genome Aggregation Database (gnomAD). The available evidence is insufficient to determine the role of this variant in disease conclusively. Therefore, this variant is classified as a Variant of Uncertain Significance.

Ambry Genetics
Classification: Uncertain significance for Hereditary cancer-predisposing syndrome. Last evaluated: 2024-01-11. Review status: criteria provided, single submitter. Criteria: Ambry Variant Classification Scheme 2023. Collection method: clinical testing. Allele origin: germline.
Comment: The p.V586A variant (also known as c.1757T>C), located in coding exon 4 of the MSH6 gene, results from a T to C substitution at nucleotide position 1757. The valine at codon 586 is replaced by alanine, an amino acid with similar properties. This amino acid position is well conserved in available vertebrate species. In addition, this alteration is predicted to be deleterious by in silico analysis. Since supporting evidence is limited at this time, the clinical significance of this alteration remains unclear.

All of Us Research Program, National Institutes of Health
Classification: Uncertain significance for Lynch syndrome. Last evaluated: 2023-05-04. Review status: criteria provided, single submitter. Criteria: ACMG Guidelines, 2015. Collection method: clinical testing. Allele origin: germline. Inheritance: Autosomal dominant inheritance. Observed: 1 variant allele, 1 heterozygote.
Comment: This missense variant replaces valine with alanine at codon 586 of the MSH6 protein. Computational prediction suggests that this variant may have deleterious impact on protein structure and function (internally defined REVEL score threshold >= 0.7, PMID: 27666373). Splice site prediction tools suggest that this variant may not impact RNA splicing. To our knowledge, functional studies have not been performed for this variant. This variant has not been reported in individuals affected with hereditary cancer in the literature. This variant has been identified in 1/31404 chromosomes in the general population by the Genome Aggregation Database (gnomAD). The available evidence is insufficient to determine the role of this variant in disease conclusively. Therefore, this variant is classified as a Variant of Uncertain Significance.

This study involves interpretation of variants in research participants for the purpose of population health screening. Participant phenotype was not available at the time of variant classification. Additional details can be found in publication PMID: 35346344, PMCID: PMC8962531

Women's Health and Genetics/Laboratory Corporation of America, LabCorp
Classification: Uncertain significance. Last evaluated: 2018-04-23. Review status: criteria provided, single submitter. Criteria: LabCorp Variant Classification Summary - May 2015. Collection method: clinical testing. Allele origin: germline.
Comment: Variant summary: MSH6 c.1757T>C (p.Val586Ala) results in a non-conservative amino acid change located in the DNA mismatch repair protein MutS, connector domain of the encoded protein sequence. Four of five in-silico tools predict a damaging effect of the variant on protein function. The variant allele was found at a frequency of 3.2e-05 in 30972 control chromosomes (gnomAD). The available data on variant occurrences in the general population are insufficient to allow any conclusion about variant significance. To our knowledge, no occurrence of c.1757T>C in individuals affected with Lynch Syndrome and no experimental evidence demonstrating its impact on protein function have been reported. Two clinical diagnostic laboratories have submitted clinical-significance assessments for this variant to ClinVar after 2014 without evidence for independent evaluation and classified the variant as uncertain significance. Based on the evidence outlined above, the variant was classified as uncertain significance.

GeneDx
Classification: Uncertain significance. Last evaluated: 2016-06-27. Review status: criteria provided, single submitter. Criteria: GeneDx Variant Classification (06012015). Collection method: clinical testing. Allele origin: germline. Affected: yes.
Comment: This variant is denoted MSH6 c.1757T>C at the cDNA level, p.Val586Ala (V586A) at the protein level, and results in the change of a Valine to an Alanine (GTG>GCG). This variant has not, to our knowledge, been published in the literature as pathogenic or benign. MSH6 Val586Ala was not observed in approximately 6,500 individuals of European and African American ancestry in the NHLBI Exome Sequencing Project, suggesting it is not a common benign variant in these populations. Since Valine and Alanine share similar properties, this is considered a conservative amino acid substitution. MSH6 Val586Ala occurs at a position where amino acids with properties similar to Valine are tolerated across species and is located in the MutS domain (Terui 2013). In silico analyses predict that this variant is probably damaging to protein structure and function. Based on currently available evidence, it is unclear whether MSH6 Val586Ala is a pathogenic or benign variant. We consider it to be a variant of uncertain significance.